The following is an entry in ClinVar:

ClinVar aggregate classification (germline): Uncertain significance (1 of 4 stars; one submission).

gnomAD v4.1: 1 of 1,612,028 alleles (0.000062%); highest among the groups gnomAD compares: Non-Finnish European, 0.000085%; no homozygotes.

Submission:

Ambry Genetics
Classification: Uncertain significance. Last evaluated: 2025-09-06. Review status: criteria provided, single submitter. Criteria: Ambry Variant Classification Scheme 2023. Collection method: clinical testing. Allele origin: germline.
Comment: The p.R170Q variant (also known as c.509G>A), located in coding exon 1 of the WNK2 gene, results from a G to A substitution at nucleotide position 509. The arginine at codon 170 is replaced by glutamine, an amino acid with highly similar properties. This amino acid position is conserved. In addition, this alteration is predicted to be tolerated by in silico analysis. Based on the available evidence, the clinical significance of this variant remains unclear.

NM_006648.4(WNK2):c.509G>A (p.Arg170Gln)

Gene: WNK2 (WNK lysine deficient protein kinase 2; plus strand). Cytogenetic location: 9q22.31.
Variant type: single nucleotide variant.
Coding change: c.509G>A on transcript NM_006648.4 (MANE Select); coding-DNA position 509, G replaced by A.
Protein change: p.Arg170Gln; replaces arginine 170 with glutamine.
Molecular consequence: missense variant.
Genome position (GRCh38, 1-based): chr9:93,185,438, G>A. VCF-style: chr9-93185438-G-A. GRCh37 (hg19) VCF-style: chr9-95947720-G-A.
Other names: c.509G>A, p.Arg170Gln (NM_001282394.3); short protein forms R170Q.
Identifiers: ClinVar variation 4201877 (VCV004201877.1).